The following is an entry in ClinVar:

NM_000038.6(APC):c.2263dup (p.Arg755fs)

Gene: APC (APC regulator of Wnt signaling pathway; plus strand). Cytogenetic location: 5q22.2.
Variant type: Duplication.
Coding change: c.2263dup on transcript NM_000038.6 (MANE Select); coding-DNA position 2263, one base duplicated (A; older notation c.2263dupA).
Protein change: p.Arg755fs; shifts the reading frame from arginine 755.
Molecular consequence: frameshift variant. On other transcripts: non-coding transcript variant (2).
Genome position (GRCh38, 1-based): chr5:112,837,857, A duplicated. VCF-style (leftmost placement, unchanged base first): chr5-112837856-T-TA. GRCh37 (hg19) VCF-style: chr5-112173553-T-TA.
Other names: c.2086dup, p.Arg696fs (NM_001354901.2, NM_001407453.1); c.1990dup, p.Arg664fs (NM_001354902.2); c.1960dup, p.Arg654fs (NM_001354903.2, NM_001407458.1, NM_001407459.1 and 1 more transcripts); c.1885dup, p.Arg629fs (NM_001354904.2); c.1783dup, p.Arg595fs (NM_001354905.2); c.1414dup, p.Arg472fs (NM_001354906.2, NM_001407470.1); c.2347dup, p.Arg783fs (NM_001407446.1); c.2317dup, p.Arg773fs (NM_001407447.1, NM_001407448.1, NM_001407449.1 and 1 more transcripts); and 11 more; short protein forms R371fs, R472fs, R595fs, R626fs, R629fs, R654fs, R664fs, R672fs.
Identifiers: ClinVar variation 4861517 (VCV004861517.1).

ClinVar aggregate classification (germline): Pathogenic (1 of 4 stars; one submission).

Conditions:
Hereditary cancer-predisposing syndrome. Also called: Neoplastic Syndromes, Hereditary; Tumor predisposition; Hereditary Cancer Syndrome; Hereditary neoplastic syndrome. Identifiers: Orphanet 140162, MedGen C0027672, MeSH D009386, MONDO:0015356.

Submission:

Ambry Genetics
Classification: Pathogenic for Hereditary cancer-predisposing syndrome. Last evaluated: 2026-05-05. Review status: criteria provided, single submitter. Criteria: Ambry Variant Classification Scheme 2023. Collection method: clinical testing. Allele origin: germline.
Comment: The c.2263dupA pathogenic mutation, located in coding exon 15 of the APC gene, results from a duplication of A at nucleotide position 2263, causing a translational frameshift with a predicted alternate stop codon (p.R755Kfs*20). This variant occurs at the 3' terminus of the gene, is not expected to trigger nonsense-mediated mRNA decay, and impacts the last 73% of the protein. However, premature stop codons are typically deleterious in nature and a significant portion of the protein is affected (Ambry internal data). This variant was reported in individual(s) with features consistent with APC-related familial adenomatous polyposis (Ambry internal data). This variant is considered to be rare based on population cohorts in the Genome Aggregation Database (gnomAD). Based on the supporting evidence, this variant is interpreted as a disease-causing mutation.